The following is an entry in ClinVar:

ClinVar aggregate classification (germline): Uncertain significance (1 of 4 stars; one submission).

Allele frequency attached by ClinVar (database versions not stated): TOPMed below 0.00001; gnomAD exomes 0.00001; ExAC 0.00002.
gnomAD v4.1: 17 of 1,588,472 alleles (0.0011%); highest among the groups gnomAD compares: African/African-American, 0.0027%; no homozygotes.

Submission:

Labcorp Genetics (formerly Invitae), Labcorp
Classification: Uncertain significance. Last evaluated: 2023-05-29. Review status: criteria provided, single submitter. Criteria: Invitae Variant Classification Sherloc (09022015). Collection method: clinical testing. Allele origin: germline.
Comment: In summary, the available evidence is currently insufficient to determine the role of this variant in disease. Therefore, it has been classified as a Variant of Uncertain Significance. Advanced modeling of protein sequence and biophysical properties (such as structural, functional, and spatial information, amino acid conservation, physicochemical variation, residue mobility, and thermodynamic stability) performed at Invitae indicates that this missense variant is not expected to disrupt MYH7B protein function. This variant has not been reported in the literature in individuals affected with MYH7B-related conditions. The frequency data for this variant in the population databases is considered unreliable, as metrics indicate poor data quality at this position in the gnomAD database. This sequence change replaces arginine, which is basic and polar, with histidine, which is basic and polar, at codon 1761 of the MYH7B protein (p.Arg1761His).

NM_020884.7(MYH7B):c.5156G>A (p.Arg1719His)

Gene: MYH7B (myosin heavy chain 7B; plus strand). Cytogenetic location: 20q11.22.
Variant type: single nucleotide variant.
Coding change: c.5156G>A on transcript NM_020884.7 (MANE Select); coding-DNA position 5156, G replaced by A.
Protein change: p.Arg1719His; replaces arginine 1719 with histidine.
Molecular consequence: missense variant.
Genome position (GRCh38, 1-based): chr20:35,000,667, G>A. VCF-style: chr20-35000667-G-A. GRCh37 (hg19) VCF-style: chr20-33588470-G-A.
Other names: short protein forms R1719H.
Identifiers: ClinVar variation 2961224 (VCV002961224.3), dbSNP rs546905466, ClinGen allele CA9828436.